The following is an entry in ClinVar:

NM_012424.6(RPS6KC1):c.1729G>T (p.Asp577Tyr)

Gene: RPS6KC1 (ribosomal protein S6 kinase C1; plus strand). Cytogenetic location: 1q32.3.
Variant type: single nucleotide variant.
Coding change: c.1729G>T on transcript NM_012424.6 (MANE Select); coding-DNA position 1729, G replaced by T.
Protein change: p.Asp577Tyr; replaces aspartic acid 577 with tyrosine.
Molecular consequence: missense variant. On other transcripts: non-coding transcript variant (4).
Genome position (GRCh38, 1-based): chr1:213,241,205, G>T. VCF-style: chr1-213241205-G-T. GRCh37 (hg19) VCF-style: chr1-213414548-G-T.
Other names: c.1693G>T, p.Asp565Tyr (NM_001136138.4); c.1093G>T, p.Asp365Tyr (NM_001287218.3, NM_001287219.3, NM_001349654.2); c.334G>T, p.Asp112Tyr (NM_001287220.3, NM_001349663.2, NM_001349664.2 and 8 more transcripts); c.1186G>T, p.Asp396Tyr (NM_001287221.3, NM_001349648.2, NM_001349649.2 and 4 more transcripts); c.1636G>T, p.Asp546Tyr (NM_001349646.2); c.1366G>T, p.Asp456Tyr (NM_001349647.2); c.838G>T, p.Asp280Tyr (NM_001349657.2, NM_001349658.2); c.673G>T, p.Asp225Tyr (NM_001349659.2, NM_001349660.2, NM_001349661.2 and 1 more transcripts); short protein forms D280Y, D546Y, D225Y, D365Y, D396Y, D456Y, D577Y, D112Y.
Identifiers: ClinVar variation 1504969 (VCV001504969.8), dbSNP rs923738046, ClinGen allele CA37278907.

ClinVar aggregate classification (germline): Uncertain significance (1 of 4 stars; one submission).

Allele frequency attached by ClinVar (database versions not stated): gnomAD 0.00001; TOPMed 0.00001.
gnomAD v4.1: 2 of 1,613,590 alleles (0.00012%); highest among the groups gnomAD compares: African/African-American, 0.0027%; no homozygotes.

Submission:

Labcorp Genetics (formerly Invitae), Labcorp
Classification: Uncertain significance. Last evaluated: 2023-02-06. Review status: criteria provided, single submitter. Criteria: Invitae Variant Classification Sherloc (09022015). Collection method: clinical testing. Allele origin: germline.
Comment: This variant has not been reported in the literature in individuals affected with RPS6KC1-related conditions. This variant is present in population databases (no rsID available, gnomAD 0.01%). This sequence change replaces aspartic acid, which is acidic and polar, with tyrosine, which is neutral and polar, at codon 577 of the RPS6KC1 protein (p.Asp577Tyr). ClinVar contains an entry for this variant (Variation ID: 1504969). In summary, the available evidence is currently insufficient to determine the role of this variant in disease. Therefore, it has been classified as a Variant of Uncertain Significance. Algorithms developed to predict the effect of missense changes on protein structure and function are either unavailable or do not agree on the potential impact of this missense change (SIFT: "Deleterious"; PolyPhen-2: "Possibly Damaging"; Align-GVGD: "Class C0").